The following is an entry in ClinVar:

ClinVar aggregate classification (germline): Uncertain significance. Review status: criteria provided, multiple submitters, no conflicts (2 of 4 stars). 2 submissions from 2 submitters: Uncertain significance (2). Last evaluated 2024-09-05.

Conditions:
Charcot-Marie-Tooth disease type 2R. Also called: CHARCOT-MARIE-TOOTH NEUROPATHY, TYPE 2R; CHARCOT-MARIE-TOOTH DISEASE, AXONAL, AUTOSOMAL RECESSIVE, TYPE 2R; Charcot-Marie-Tooth disease, axonal, type 2R. Identifiers: Orphanet 397968, MedGen C3809655, MONDO:0014208, OMIM 615490.

Allele frequency attached by ClinVar (database versions not stated): gnomAD 0.00001; TOPMed 0.00001; gnomAD exomes 0.00002; ExAC 0.00003.
gnomAD v4.1: 33 of 1,613,758 alleles (0.002%); highest among the groups gnomAD compares: South Asian, 0.0033%; no homozygotes.

Submissions (2):

GeneDx
Classification: Uncertain significance. Last evaluated: 2024-09-05. Review status: criteria provided, single submitter. Criteria: GeneDx Variant Classification Process June 2021. Collection method: clinical testing. Allele origin: germline. Affected: yes.
Comment: Not observed at significant frequency in large population cohorts (gnomAD); In silico analysis indicates that this missense variant does not alter protein structure/function; Has not been previously published as pathogenic or benign to our knowledge

Labcorp Genetics (formerly Invitae), Labcorp
Classification: Uncertain significance for Charcot-Marie-Tooth disease type 2R. Last evaluated: 2023-01-18. Review status: criteria provided, single submitter. Criteria: Invitae Variant Classification Sherloc (09022015). Collection method: clinical testing. Allele origin: germline.
Comment: This variant has not been reported in the literature in individuals affected with TRIM2-related conditions. In summary, the available evidence is currently insufficient to determine the role of this variant in disease. Therefore, it has been classified as a Variant of Uncertain Significance. Algorithms developed to predict the effect of missense changes on protein structure and function are either unavailable or do not agree on the potential impact of this missense change (SIFT: "Deleterious"; PolyPhen-2: "Possibly Damaging"; Align-GVGD: "Class C0"). ClinVar contains an entry for this variant (Variation ID: 576190). This variant is present in population databases (rs756377335, gnomAD 0.01%). This sequence change replaces threonine, which is neutral and polar, with methionine, which is neutral and non-polar, at codon 331 of the TRIM2 protein (p.Thr331Met).

NM_015271.5(TRIM2):c.1073C>T (p.Thr358Met)

Gene: TRIM2 (tripartite motif containing 2; plus strand). Cytogenetic location: 4q31.3.
Variant type: single nucleotide variant.
Coding change: c.1073C>T on transcript NM_015271.5 (MANE Select); coding-DNA position 1073, C replaced by T.
Protein change: p.Thr358Met; replaces threonine 358 with methionine.
Molecular consequence: missense variant.
Genome position (GRCh38, 1-based): chr4:153,295,599, C>T. VCF-style: chr4-153295599-C-T. GRCh37 (hg19) VCF-style: chr4-154216751-C-T.
Other names: c.992C>T, p.Thr331Met (NM_001130067.2, NM_001351056.2); c.1046C>T, p.Thr349Met (NM_001351054.2); c.1043C>T, p.Thr348Met (NM_001351055.2); c.617C>T, p.Thr206Met (NM_001351057.2); short protein forms T331M, T206M, T348M, T349M, T358M.
Identifiers: ClinVar variation 576190 (VCV000576190.9), dbSNP rs756377335, ClinGen allele CA3108679.
Genomic context (GRCh38, chr4:153,295,599, plus strand): 5'-CCATCCACAACCTCGGGACGATCTTAACCACCAACGCCGTTGCCTCAGAGACAGTGGCCA[C>T]GGGCGAGGGGCTGCGGCAGACCATCATCGGGCAGCCCATGTCCGTCACCATCACCACCAA-3'
Protein context (NP_056086.2, residues 348-368): TNAVASETVA[Thr358Met]GEGLRQTIIG